The following is an entry in ClinVar:

NM_003848.4(SUCLG2):c.542C>T (p.Ala181Val)

Gene: SUCLG2 (succinate-CoA ligase GDP-forming subunit beta; minus strand). Cytogenetic location: 3p14.1.
Variant type: single nucleotide variant.
Coding change: c.542C>T on transcript NM_003848.4 (MANE Select); coding-DNA position 542, C replaced by T.
Protein change: p.Ala181Val; replaces alanine 181 with valine.
Molecular consequence: missense variant.
Genome position (GRCh38, 1-based): chr3:67,520,510, G>A on the plus strand (C>T on the coding strand, the complement: SUCLG2 is on the minus strand). VCF-style: chr3-67520510-G-A. GRCh37 (hg19) VCF-style: chr3-67570934-G-A.
Other names: c.542C>T, p.Ala181Val (NM_001177599.2); short protein forms A181V.
Identifiers: ClinVar variation 871256 (VCV000871256.43), dbSNP rs1219455450, ClinGen allele CA353554351.

ClinVar aggregate classification (germline): Uncertain significance. Review status: criteria provided, multiple submitters, no conflicts (2 of 4 stars). 2 submissions from 2 submitters: Uncertain significance (2). Last evaluated 2025-01-23.

Allele frequency attached by ClinVar (database versions not stated): gnomAD below 0.00001 and 0.00001; TOPMed below 0.00001.

Submissions (2):

Labcorp Genetics (formerly Invitae), Labcorp
Classification: Uncertain significance. Last evaluated: 2025-01-23. Review status: criteria provided, single submitter. Criteria: Invitae Variant Classification Sherloc (09022015). Collection method: clinical testing. Allele origin: germline.
Comment: This sequence change replaces alanine, which is neutral and non-polar, with valine, which is neutral and non-polar, at codon 181 of the SUCLG2 protein (p.Ala181Val). This variant is not present in population databases (gnomAD no frequency). This variant has not been reported in the literature in individuals affected with SUCLG2-related conditions. ClinVar contains an entry for this variant (Variation ID: 871256). An algorithm developed to predict the effect of missense changes on protein structure and function (PolyPhen-2) suggests that this variant is likely to be disruptive. In summary, the available evidence is currently insufficient to determine the role of this variant in disease. Therefore, it has been classified as a Variant of Uncertain Significance.

CeGaT Center for Human Genetics Tuebingen
Classification: Uncertain significance. Last evaluated: 2019-07-01. Review status: criteria provided, single submitter. Criteria: CeGaT Center For Human Genetics Tuebingen Variant Classification Criteria Version 2. Collection method: clinical testing. Allele origin: germline. Affected: yes. Observed: 3 variant alleles.